The following is an entry in ClinVar:

NM_138554.5(TLR4):c.1530G>T (p.Gln510His)

Gene: TLR4 (toll like receptor 4; plus strand). Cytogenetic location: 9q33.1.
Variant type: single nucleotide variant.
Coding change: c.1530G>T on transcript NM_138554.5 (MANE Select); coding-DNA position 1530, G replaced by T.
Protein change: p.Gln510His; replaces glutamine 510 with histidine.
Molecular consequence: missense variant.
Genome position (GRCh38, 1-based): chr9:117,713,658, G>T. VCF-style: chr9-117713658-G-T. GRCh37 (hg19) VCF-style: chr9-120475936-G-T.
Other names: NC_000009.11:g.120475936G>T; c.1410G>T, p.Gln470His (NM_003266.4); c.930G>T, p.Gln310His (NM_138557.3); short protein forms Q310H, Q470H, Q510H.
Identifiers: ClinVar variation 3039260 (VCV003039260.3), dbSNP rs5030719, ClinGen allele CA5212390.

ClinVar aggregate classification (germline): Benign (0 of 4 stars; one submission).

Conditions:
TLR4-related disorder. Also called: TLR4-related condition.

Allele frequency attached by ClinVar (database versions not stated): gnomAD exomes 0.00078; gnomAD 0.00737; ExAC 0.00255; ESP Exome Variant Server 0.00746; 1000 Genomes Project 0.00998; 1000 Genomes Project 30x 0.01062.
gnomAD v4.1: 2,346 of 1,614,044 alleles (0.15%); highest among the groups gnomAD compares: African/African-American, 2.6%; 27 homozygotes.

Submissions (2):

PreventionGenetics, part of Exact Sciences
Classification: Benign for TLR4-related condition. Last evaluated: 2019-06-12. Review status: no assertion criteria provided. Collection method: clinical testing. Allele origin: germline.
Comment: This variant is classified as benign based on ACMG/AMP sequence variant interpretation guidelines (Richards et al. 2015 PMID: 25741868, with internal and published modifications).

Dr. Peter K. Rogan Lab, Western University
No classification provided (evidence only). Condition: Hepatocellular carcinoma. Review status: no classification provided. Collection method: in vitro. Allele origin: not applicable. Functional consequence: retained intron. Not counted in ClinVar's aggregate classification.